The following is an entry in ClinVar:

ClinVar aggregate classification (germline): Likely benign. Review status: criteria provided, multiple submitters, no conflicts (2 of 4 stars). 3 submissions from 3 submitters: Likely benign (3). Last evaluated 2024-07-29.

Conditions:
Cardiomyopathy (CMYO). Also called: Cardiomyopathies. Identifiers: Orphanet 167848, MedGen C0878544, MONDO:0004994, HP:0001638. Inheritance: Various modes of inheritance.
Hypertrophic cardiomyopathy. Also called: HYPERTROPHIC MYOCARDIOPATHY. Identifiers: Orphanet 217569, MedGen C0007194, MeSH D002312, MONDO:0005045, HP:0001639.
Lethal congenital glycogen storage disease of heart. Also called: GLYCOGEN STORAGE DISEASE OF HEART; PHOSPHORYLASE KINASE DEFICIENCY OF HEART. Identifiers: Orphanet 439854, MedGen C1849813, MONDO:0009867, OMIM 261740.

gnomAD v4.1: 1 of 1,600,302 alleles (0.000062%); highest among the groups gnomAD compares: East Asian, 0.0022%; no homozygotes.

Submissions (3):

All of Us Research Program, National Institutes of Health
Classification: Likely benign for Hypertrophic cardiomyopathy. Last evaluated: 2024-07-29. Review status: criteria provided, single submitter. Criteria: ACMG Guidelines, 2015. Collection method: clinical testing. Allele origin: germline. Inheritance: Autosomal dominant inheritance. Observed: 1 variant allele, 1 heterozygote.
Comment: This study involves interpretation of variants in research participants for the purpose of population health screening. Participant phenotype was not available at the time of variant classification. Additional details can be found in publication PMID: 35346344, PMCID: PMC8962531

Color Diagnostics, LLC DBA Color Health
Classification: Likely benign for Cardiomyopathy. Last evaluated: 2024-05-15. Review status: criteria provided, single submitter. Criteria: ACMG Guidelines, 2015. Collection method: clinical testing. Allele origin: germline.

Labcorp Genetics (formerly Invitae), Labcorp
Classification: Likely benign for Lethal congenital glycogen storage disease of heart. Last evaluated: 2024-04-17. Review status: criteria provided, single submitter. Criteria: Invitae Variant Classification Sherloc (09022015). Collection method: clinical testing. Allele origin: germline.

NM_016203.4(PRKAG2):c.1052-11T>C

Gene: PRKAG2 (protein kinase AMP-activated non-catalytic subunit gamma 2; minus strand). Cytogenetic location: 7q36.1.
Variant type: single nucleotide variant.
Coding change: c.1052-11T>C on transcript NM_016203.4 (MANE Select); 11 bases into the intron before coding-DNA position 1052, T replaced by C.
Molecular consequence: intron variant.
Genome position (GRCh38, 1-based): chr7:151,570,236, A>G on the plus strand (T>C on the coding strand, the complement: PRKAG2 is on the minus strand). VCF-style: chr7-151570236-A-G. GRCh37 (hg19) VCF-style: chr7-151267322-A-G.
Other names: c.761-11T>C (NM_001407031.1); c.764-11T>C (NM_001407030.1); c.1049-11T>C (NM_001407023.1, NM_001407022.1); c.1052-11T>C (NM_001407021.1); c.734-11T>C (NM_001407032.1); c.917-11T>C (NM_001407026.1, NM_001407027.1); c.920-11T>C (NM_001040633.2, NM_001407024.1); c.728-11T>C (NM_001407033.1); and 6 more.
Identifiers: ClinVar variation 3387531 (VCV003387531.4).